The following is an entry in ClinVar:

ClinVar aggregate classification (germline): Uncertain significance (1 of 4 stars; one submission).

Conditions:
Wolman disease (WOLD). Also called: Acid cholesteryl ester hydrolase deficiency, Wolman type; Acid lipase disease; LYSOSOMAL ACID LIPASE DEFICIENCY, ACUTE INFANTILE; LYSOSOMAL ACID LIPASE DEFICIENCY, COMPLETE; LIPA DEFICIENCY, COMPLETE; LAL DEFICIENCY, COMPLETE. Identifiers: Orphanet 75233, MedGen C0043208, MONDO:0019148, OMIM 620151.

Allele frequency attached by ClinVar (database versions not stated): ExAC 0.00001; gnomAD 0.00001; 1000 Genomes Project 30x 0.00016; 1000 Genomes Project 0.00020.
gnomAD v4.1: 1 of 1,614,110 alleles (0.000062%); no homozygotes.

Submission:

Labcorp Genetics (formerly Invitae), Labcorp
Classification: Uncertain significance for Wolman disease. Last evaluated: 2025-02-17. Review status: criteria provided, single submitter. Criteria: Invitae Variant Classification Sherloc (09022015). Collection method: clinical testing. Allele origin: germline.
Comment: This sequence change replaces proline, which is neutral and non-polar, with serine, which is neutral and polar, at codon 220 of the LIPA protein (p.Pro220Ser). This variant is present in population databases (rs199622801, gnomAD 0.004%). This missense change has been observed in individual(s) with Wolman disease (PMID: 30665623). ClinVar contains an entry for this variant (Variation ID: 2036765). Invitae Evidence Modeling of protein sequence and biophysical properties (such as structural, functional, and spatial information, amino acid conservation, physicochemical variation, residue mobility, and thermodynamic stability) indicates that this missense variant is not expected to disrupt LIPA protein function with a negative predictive value of 95%. In summary, the available evidence is currently insufficient to determine the role of this variant in disease. Therefore, it has been classified as a Variant of Uncertain Significance.

Literature cited by the submitters: PubMed 30665623.

NM_000235.4(LIPA):c.658C>T (p.Pro220Ser)

Gene: LIPA (lipase A, lysosomal acid type; minus strand). Cytogenetic location: 10q23.31.
Variant type: single nucleotide variant.
Coding change: c.658C>T on transcript NM_000235.4 (MANE Select); coding-DNA position 658, C replaced by T.
Protein change: p.Pro220Ser; replaces proline 220 with serine.
Molecular consequence: missense variant.
Genome position (GRCh38, 1-based): chr10:89,225,109, G>A on the plus strand (C>T on the coding strand, the complement: LIPA is on the minus strand). VCF-style: chr10-89225109-G-A. GRCh37 (hg19) VCF-style: chr10-90984866-G-A.
Other names: c.658C>T, p.Pro220Ser (NM_001127605.3); c.310C>T, p.Pro104Ser (NM_001288979.2); short protein forms P104S, P220S.
Identifiers: ClinVar variation 2036765 (VCV002036765.4), dbSNP rs199622801, ClinGen allele CA5593659.
Genomic context (GRCh38, chr10:89,225,109, plus strand): 5'-GAAATCTGCGGGGAGAGGAGAGGGATGGGAGGGGTCCAAGTACCTTAATGAGATGATCTG[G>A]TAATCGTCCTAATTTGGCCATAGGGCTAGTACAGAAGGCGACGGAAGCCACAGGACCCAG-3'
Protein context (NP_000226.2, residues 210-230): TSPMAKLGRL[Pro220Ser]DHLIKDLFGD